The following is an entry in ClinVar:

ClinVar aggregate classification (germline): Uncertain significance (1 of 4 stars; one submission).

gnomAD v4.1: 18 of 700,280 alleles (0.0026%); highest among the groups gnomAD compares: Middle Eastern, 0.036%; no homozygotes.

Submission:

Labcorp Genetics (formerly Invitae), Labcorp
Classification: Uncertain significance. Last evaluated: 2025-10-03. Review status: criteria provided, single submitter. Criteria: Invitae Variant Classification Sherloc (09022015). Collection method: clinical testing. Allele origin: germline.
Comment: This variant occurs in the RNU4ATAC gene, which encodes an RNA molecule that does not result in a protein product. This variant is present in population databases (no rsID available, gnomAD 0.005%). This variant has not been reported in the literature in individuals affected with RNU4ATAC-related conditions. ClinVar contains an entry for this variant (Variation ID: 1473847). Experimental studies and prediction algorithms are not available or were not evaluated, and the functional significance of this variant is currently unknown. In summary, the available evidence is currently insufficient to determine the role of this variant in disease. Therefore, it has been classified as a Variant of Uncertain Significance.

NC_000002.12:g.121530969C>G

Genes: CLASP1 (cytoplasmic linker associated protein 1; minus strand), CLASP1-AS1 (CLASP1 antisense RNA 1; plus strand), RNU4ATAC (RNA, U4atac small nuclear; plus strand). Cytogenetic location: 2q14.2.
Variant type: single nucleotide variant.
Molecular consequence: intron variant (on NM_001395891.1).
Genome position: GRCh38 VCF-style: chr2-121530969-C-G. GRCh37 (hg19) VCF-style: chr2-122288545-C-G.
Other names: c.196-644G>C (NM_001142274.2, NM_015282.3, NM_001378003.1 and 5 more transcripts).
Identifiers: ClinVar variation 1473847 (VCV001473847.4), dbSNP rs546680447, ClinGen allele CA54810957.